The following is an entry in ClinVar:

NM_001394998.1(TANC2):c.2368C>T (p.His790Tyr)

Gene: TANC2 (tetratricopeptide repeat, ankyrin repeat and coiled-coil containing 2; plus strand). Cytogenetic location: 17q23.3.
Variant type: single nucleotide variant.
Coding change: c.2368C>T on transcript NM_001394998.1 (MANE Select); coding-DNA position 2368, C replaced by T.
Protein change: p.His790Tyr; replaces histidine 790 with tyrosine.
Molecular consequence: missense variant.
Genome position (GRCh38, 1-based): chr17:63,355,176, C>T. VCF-style: chr17-63355176-C-T. GRCh37 (hg19) VCF-style: chr17-61432537-C-T.
Other names: c.2146C>T, p.His716Tyr (NM_001411076.1, NM_025185.4); short protein forms H716Y, H790Y.
Identifiers: ClinVar variation 3372089 (VCV003372089.1).
Genomic context (GRCh38, chr17:63,355,176, plus strand): 5'-CCAACCCAGTCTTCCTTTGACCGGGTGATGCCTCTCCTGAATGTGGCAGTGGCCTCTCTC[C>T]ACCCACTGACTGATGAGCATATCTTCCAGGCCATCAATGCTGGGAGCATTGAAGGCACAC-3'
Protein context (NP_001381927.1, residues 780-800): PLLNVAVASL[His790Tyr]PLTDEHIFQA

ClinVar aggregate classification (germline): Uncertain significance (1 of 4 stars; one submission).

Submission:

GeneDx
Classification: Uncertain significance. Last evaluated: 2024-04-03. Review status: criteria provided, single submitter. Criteria: GeneDx Variant Classification Process June 2021. Collection method: clinical testing. Allele origin: germline. Affected: yes.
Comment: Not observed at significant frequency in large population cohorts (gnomAD); In silico analysis supports that this missense variant does not alter protein structure/function; Has not been previously published as pathogenic or benign to our knowledge